The following is an entry in ClinVar:

ClinVar aggregate classification (germline): Uncertain significance (1 of 4 stars; one submission).

Allele frequency attached by ClinVar (database versions not stated): gnomAD 0.00001; TOPMed 0.00004; gnomAD exomes 0.00010.
gnomAD v4.1: 135 of 1,600,650 alleles (0.0084%); highest among the groups gnomAD compares: Non-Finnish European, 0.011%; no homozygotes.

Submission:

Labcorp Genetics (formerly Invitae), Labcorp
Classification: Uncertain significance. Last evaluated: 2025-11-04. Review status: criteria provided, single submitter. Criteria: Invitae Variant Classification Sherloc (09022015). Collection method: clinical testing. Allele origin: germline.
Comment: This sequence change replaces asparagine, which is neutral and polar, with lysine, which is basic and polar, at codon 192 of the ARIH1 protein (p.Asn192Lys). This variant is not present in population databases (gnomAD no frequency). This variant has not been reported in the literature in individuals affected with ARIH1-related conditions. ClinVar contains an entry for this variant (Variation ID: 1375220). An algorithm developed to predict the effect of missense changes on protein structure and function (PolyPhen-2) suggests that this variant is likely to be tolerated. In summary, the available evidence is currently insufficient to determine the role of this variant in disease. Therefore, it has been classified as a Variant of Uncertain Significance.

NM_005744.5(ARIH1):c.576C>A (p.Asn192Lys)

Gene: ARIH1 (ariadne RBR E3 ubiquitin protein ligase 1; plus strand). Cytogenetic location: 15q24.1.
Variant type: single nucleotide variant.
Coding change: c.576C>A on transcript NM_005744.5 (MANE Select); coding-DNA position 576, C replaced by A.
Protein change: p.Asn192Lys; replaces asparagine 192 with lysine.
Molecular consequence: missense variant.
Genome position (GRCh38, 1-based): chr15:72,544,952, C>A. VCF-style: chr15-72544952-C-A. GRCh37 (hg19) VCF-style: chr15-72837293-C-A.
Other names: short protein forms N192K.
Identifiers: ClinVar variation 1375220 (VCV001375220.6), dbSNP rs779405166, ClinGen allele CA273268327.